The following is an entry in ClinVar:

NM_001369.3(DNAH5):c.6510A>C (p.Arg2170Ser)

Gene: DNAH5 (dynein axonemal heavy chain 5; minus strand). Cytogenetic location: 5p15.2.
Variant type: single nucleotide variant.
Coding change: c.6510A>C on transcript NM_001369.3 (MANE Select); coding-DNA position 6510, A replaced by C.
Protein change: p.Arg2170Ser; replaces arginine 2170 with serine.
Molecular consequence: missense variant.
Genome position (GRCh38, 1-based): chr5:13,824,268, T>G on the plus strand (A>C on the coding strand, the complement: DNAH5 is on the minus strand). VCF-style: chr5-13824268-T-G. GRCh37 (hg19) VCF-style: chr5-13824377-T-G.
Other names: short protein forms R2170S.
Identifiers: ClinVar variation 5035465 (VCV005035465.1).

ClinVar aggregate classification (germline): Uncertain significance (1 of 4 stars; one submission).

Conditions:
Primary ciliary dyskinesia. Also called: Ciliary dyskinesia. Identifiers: Orphanet 244, MedGen C0008780, MONDO:0016575, HP:0012265.

gnomAD v4.1: 7 of 1,614,084 alleles (0.00043%); highest among the groups gnomAD compares: Admixed American, 0.012%; no homozygotes.

Submission:

Ambry Genetics
Classification: Uncertain significance for Primary ciliary dyskinesia. Last evaluated: 2026-08-24. Review status: criteria provided, single submitter. Criteria: Ambry Variant Classification Scheme 2023. Collection method: clinical testing. Allele origin: germline.
Comment: The p.R2170S variant (also known as c.6510A>C), located in coding exon 39 of the DNAH5 gene, results from an A to C substitution at nucleotide position 6510. The arginine at codon 2170 is replaced by serine, an amino acid with dissimilar properties. This amino acid position is conserved. In addition, the in silico prediction for this alteration is inconclusive. Based on the available evidence, the clinical significance of this variant remains unclear.